The following is an entry in ClinVar:

ClinVar aggregate classification (germline): Conflicting classifications of pathogenicity. Review status: criteria provided, conflicting classifications (1 of 4 stars). 6 submissions from 6 submitters: Uncertain significance (1); Benign (1); Likely benign (4). Last evaluated 2026-03-17.

Conditions:
Connective tissue disorder. Also called: Connective tissue disease. Identifiers: MedGen C0009782, MONDO:0003900.
Aortic aneurysm, familial thoracic 7 (AAT7). Also called: AORTIC DISSECTION, FAMILIAL, WITH OR WITHOUT AORTIC ANEURYSM. Identifiers: MedGen C3151077, MONDO:0013418, OMIM 613780.
Familial thoracic aortic aneurysm and aortic dissection (TAAD). Also called: Thoracic aortic aneurysms and dissections. Identifiers: Orphanet 91387, MedGen C4707243, MONDO:0019625.

Allele frequency attached by ClinVar (database versions not stated): gnomAD exomes 0.00013 and 0.00027; TOPMed 0.00015; 1000 Genomes Project 30x 0.00016; gnomAD 0.00017; 1000 Genomes Project 0.00020; ExAC 0.00021; ESP Exome Variant Server 0.00038.
gnomAD v4.1: 223 of 1,614,196 alleles (0.014%); highest among the groups gnomAD compares: African/African-American, 0.0067%; no homozygotes.

Submissions (6):

Women's Health and Genetics/Laboratory Corporation of America, LabCorp
Classification: Likely benign. Last evaluated: 2026-03-17. Review status: criteria provided, single submitter. Criteria: LabCorp Variant Classification Summary - May 2015. Collection method: clinical testing. Allele origin: germline.
Comment: Variant summary: MYLK c.2693G>A (p.Arg898Gln) results in a conservative amino acid change in the encoded protein sequence. Algorithms developed to predict the effect of missense changes on protein structure and function are either unavailable or do not agree on the potential impact of this missense change. The variant allele was found at a frequency of 0.00027 in 251402 control chromosomes. The observed variant frequency exceeds the estimated maximal expected allele frequency for disease-causing variants in MYLK. c.2693G>A has been observed in an individual affected with familial thoracic aortic aneurysm, without strong evidence for causality (e.g. Schubert_2016). This report does not provide unequivocal conclusions about association of the variant with familial thoracic aortic aneurysm and aortic dissection. To our knowledge, no experimental evidence demonstrating an impact on protein function has been reported. The following publications have been ascertained in the context of this evaluation (PMID: 28550590, 26854089). ClinVar contains an entry for this variant (Variation ID: 471713). Based on the evidence outlined above, the variant was classified as likely benign.

Labcorp Genetics (formerly Invitae), Labcorp
Classification: Benign for Aortic aneurysm, familial thoracic 7. Last evaluated: 2026-01-28. Review status: criteria provided, single submitter. Criteria: Invitae Variant Classification Sherloc (09022015). Collection method: clinical testing. Allele origin: germline.

GeneDx
Classification: Likely benign. Last evaluated: 2025-01-07. Review status: criteria provided, single submitter. Criteria: GeneDx Variant Classification Process June 2021. Collection method: clinical testing. Allele origin: germline. Affected: yes.
Comment: See Variant Classification Assertion Criteria.

Ambry Genetics
Classification: Likely benign for Familial thoracic aortic aneurysm and aortic dissection. Last evaluated: 2021-02-24. Review status: criteria provided, single submitter. Criteria: Ambry Variant Classification Scheme 2023. Collection method: clinical testing. Allele origin: germline.

Illumina Laboratory Services, Illumina
Classification: Uncertain significance for Aortic aneurysm, familial thoracic 7. Last evaluated: 2017-04-27. Review status: criteria provided, single submitter. Criteria: ICSL Variant Classification Criteria 13 December 2019. Collection method: clinical testing. Allele origin: germline.

Center for Human Genetics, Inc
Classification: Likely benign for Connective tissue disorder. Last evaluated: 2016-11-01. Review status: criteria provided, single submitter. Criteria: ACMG Guidelines, 2015. Collection method: clinical testing. Allele origin: germline. Affected: yes.

Literature cited by the submitters: PubMed 26854089 (cited by Women's Health and Genetics/Laboratory Corporation of America, LabCorp and Ambry Genetics); PubMed 28550590 (cited by Women's Health and Genetics/Laboratory Corporation of America, LabCorp).

NM_053025.4(MYLK):c.2693G>A (p.Arg898Gln)

Gene: MYLK (myosin light chain kinase; minus strand). Cytogenetic location: 3q21.1.
Variant type: single nucleotide variant.
Coding change: c.2693G>A on transcript NM_053025.4 (MANE Select); coding-DNA position 2693, G replaced by A.
Protein change: p.Arg898Gln; replaces arginine 898 with glutamine.
Molecular consequence: missense variant.
Genome position (GRCh38, 1-based): chr3:123,700,775, C>T on the plus strand (G>A on the coding strand, the complement: MYLK is on the minus strand). VCF-style: chr3-123700775-C-T. GRCh37 (hg19) VCF-style: chr3-123419622-C-T.
Other names: c.2165G>A, p.Arg722Gln (NM_001321309.2); c.2486G>A, p.Arg829Gln (NM_053026.4, NM_053028.4); c.2693G>A, p.Arg898Gln (NM_053027.4); short protein forms R898Q, R722Q, R829Q.
Identifiers: ClinVar variation 471713 (VCV000471713.24), dbSNP rs145507832, ClinGen allele CA068889.
Genomic context (GRCh38, chr3:123,700,775, plus strand): 5'-ATCTCCTTCAGGTCGTCTTCCGATAGGGTCTTTGTACTCACCTTCTTCCCCAGGAGGTCT[C>T]GGAAGTCCAGCTGCTCCACCTCCTGCTGGCGGATCGCCTCCTCAGTGTGCTGCCTCGTCT-3'
Protein context (NP_444253.3, residues 888-908): RQQEVEQLDF[Arg898Gln]DLLGKKVSTK